The following is an entry in ClinVar:

NM_133433.4(NIPBL):c.775G>A (p.Gly259Arg)

Gene: NIPBL (NIPBL cohesin loading factor; plus strand). Cytogenetic location: 5p13.2.
Variant type: single nucleotide variant.
Coding change: c.775G>A on transcript NM_133433.4 (MANE Select); coding-DNA position 775, G replaced by A.
Protein change: p.Gly259Arg; replaces glycine 259 with arginine.
Molecular consequence: missense variant.
Genome position (GRCh38, 1-based): chr5:36,971,948, G>A. VCF-style: chr5-36971948-G-A. GRCh37 (hg19) VCF-style: chr5-36972050-G-A.
Other names: c.775G>A, p.Gly259Arg (NM_015384.5); short protein forms G259R.
Identifiers: ClinVar variation 421167 (VCV000421167.7), dbSNP rs1064794954, ClinGen allele CA16618200.

ClinVar aggregate classification (germline): Conflicting classifications of pathogenicity. Review status: criteria provided, conflicting classifications (1 of 4 stars). 2 submissions from 2 submitters: Uncertain significance (1); Likely benign (1). Last evaluated 2026-01-20.

Allele frequency attached by ClinVar (database versions not stated): TOPMed below 0.00001; gnomAD exomes 0.00001.
gnomAD v4.1: 5 of 1,610,952 alleles (0.00031%); highest among the groups gnomAD compares: Non-Finnish European, 0.00042%; no homozygotes.

Submissions (2):

GeneDx
Classification: Likely benign. Last evaluated: 2026-01-20. Review status: criteria provided, single submitter. Criteria: GeneDx Variant Classification Process June 2021. Collection method: clinical testing. Allele origin: germline. Affected: yes.
Comment: See Variant Classification Assertion Criteria.

Blueprint Genetics
Classification: Uncertain significance. Last evaluated: 2019-11-15. Review status: criteria provided, single submitter. Criteria: ACMG Guidelines, 2015. Collection method: clinical testing. Allele origin: germline.